The following is an entry in ClinVar:

NM_024577.4(SH3TC2):c.2107G>A (p.Gly703Arg)

Gene: SH3TC2 (SH3 domain and tetratricopeptide repeats 2; minus strand). Cytogenetic location: 5q32.
Variant type: single nucleotide variant.
Coding change: c.2107G>A on transcript NM_024577.4 (MANE Select); coding-DNA position 2107, G replaced by A.
Protein change: p.Gly703Arg; replaces glycine 703 with arginine.
Molecular consequence: missense variant.
Genome position (GRCh38, 1-based): chr5:149,027,625, C>T on the plus strand (G>A on the coding strand, the complement: SH3TC2 is on the minus strand). VCF-style: chr5-149027625-C-T. GRCh37 (hg19) VCF-style: chr5-148407188-C-T.
Other names: c.2107G>A (NM_024577.3); short protein forms G703R.
Identifiers: ClinVar variation 1392363 (VCV001392363.6), dbSNP rs912282924, ClinGen allele CA128984645.

ClinVar aggregate classification (germline): Uncertain significance. Review status: criteria provided, multiple submitters, no conflicts (2 of 4 stars). 2 submissions from 2 submitters: Uncertain significance (2). Last evaluated 2024-06-16.

Conditions:
Charcot-Marie-Tooth disease type 4. Also called: Charcot-Marie-Tooth disease, type IV; Charcot-Marie-Tooth, Type 4. Identifiers: Orphanet 64749, MedGen C4082197, MONDO:0018995.
Inborn genetic diseases. Identifiers: MedGen C0950123, MeSH D030342.

Allele frequency attached by ClinVar (database versions not stated): gnomAD 0.00003; gnomAD exomes below 0.00001; TOPMed 0.00005.
gnomAD v4.1: 9 of 1,614,140 alleles (0.00056%); highest among the groups gnomAD compares: Admixed American, 0.0083%; no homozygotes.

Submissions (2):

Ambry Genetics
Classification: Uncertain significance for Inborn genetic diseases. Last evaluated: 2024-06-16. Review status: criteria provided, single submitter. Criteria: Ambry Variant Classification Scheme 2023. Collection method: clinical testing. Allele origin: germline.

Labcorp Genetics (formerly Invitae), Labcorp
Classification: Uncertain significance for Charcot-Marie-Tooth disease type 4. Last evaluated: 2022-06-22. Review status: criteria provided, single submitter. Criteria: Invitae Variant Classification Sherloc (09022015). Collection method: clinical testing. Allele origin: germline.
Comment: This sequence change replaces glycine, which is neutral and non-polar, with arginine, which is basic and polar, at codon 703 of the SH3TC2 protein (p.Gly703Arg). This variant is present in population databases (no rsID available, gnomAD 0.003%). This variant has not been reported in the literature in individuals affected with SH3TC2-related conditions. Advanced modeling of protein sequence and biophysical properties (such as structural, functional, and spatial information, amino acid conservation, physicochemical variation, residue mobility, and thermodynamic stability) performed at Invitae indicates that this missense variant is not expected to disrupt SH3TC2 protein function. In summary, the available evidence is currently insufficient to determine the role of this variant in disease. Therefore, it has been classified as a Variant of Uncertain Significance.